The following is an entry in ClinVar:

NM_007286.6(SYNPO):c.302C>T (p.Pro101Leu)

Gene: SYNPO (synaptopodin; plus strand). Cytogenetic location: 5q33.1.
Variant type: single nucleotide variant.
Coding change: c.302C>T on transcript NM_007286.6 (MANE Select); coding-DNA position 302, C replaced by T.
Protein change: p.Pro101Leu; replaces proline 101 with leucine.
Molecular consequence: missense variant.
Genome position (GRCh38, 1-based): chr5:150,648,577, C>T. VCF-style: chr5-150648577-C-T. GRCh37 (hg19) VCF-style: chr5-150028139-C-T.
Other names: c.302C>T, p.Pro101Leu (NM_001109974.3); c.1034C>T, p.Pro345Leu (NM_001166208.2, NM_001166209.2); c.1034C>T (NM_001166208.1); short protein forms P101L, P345L.
Identifiers: ClinVar variation 2912043 (VCV002912043.4), dbSNP rs369769452, ClinGen allele CA3513201.

ClinVar aggregate classification (germline): Uncertain significance. Review status: criteria provided, multiple submitters, no conflicts (2 of 4 stars). 2 submissions from 2 submitters: Uncertain significance (2). Last evaluated 2025-05-12.

Allele frequency attached by ClinVar (database versions not stated): gnomAD exomes 0.00003; TOPMed 0.00014; gnomAD 0.00003; ESP Exome Variant Server 0.00008; ExAC 0.00011.
gnomAD v4.1: 51 of 1,614,058 alleles (0.0032%); highest among the groups gnomAD compares: Admixed American, 0.05%; no homozygotes.

Submissions (2):

Labcorp Genetics (formerly Invitae), Labcorp
Classification: Uncertain significance. Last evaluated: 2025-05-12. Review status: criteria provided, single submitter. Criteria: Invitae Variant Classification Sherloc (09022015). Collection method: clinical testing. Allele origin: germline.
Comment: This sequence change replaces proline, which is neutral and non-polar, with leucine, which is neutral and non-polar, at codon 101 of the SYNPO protein (p.Pro101Leu). This variant is present in population databases (rs369769452, gnomAD 0.06%), and has an allele count higher than expected for a pathogenic variant. This variant has not been reported in the literature in individuals affected with SYNPO-related conditions. ClinVar contains an entry for this variant (Variation ID: 2912043). An algorithm developed to predict the effect of missense changes on protein structure and function (PolyPhen-2) suggests that this variant is likely to be tolerated. In summary, the available evidence is currently insufficient to determine the role of this variant in disease. Therefore, it has been classified as a Variant of Uncertain Significance.

Ambry Genetics
Classification: Uncertain significance. Last evaluated: 2024-05-14. Review status: criteria provided, single submitter. Criteria: Ambry Variant Classification Scheme 2023. Collection method: clinical testing. Allele origin: germline.